The following is an entry in ClinVar:

ClinVar aggregate classification (germline): Uncertain significance (1 of 4 stars; one submission).

Conditions:
Myopathy, proximal, and ophthalmoplegia (CMYO6). Also called: CONGENITAL MYOPATHY 6 WITH OPHTHALMOPLEGIA; INCLUSION BODY MYOPATHY 3, AUTOSOMAL DOMINANT; MYOPATHY WITH CONGENITAL JOINT CONTRACTURES, OPHTHALMOPLEGIA, AND RIMMED VACUOLES. Identifiers: Orphanet 363677, Orphanet 79091, MedGen C1854106, MONDO:0011577, OMIM 605637.

Allele frequency attached by ClinVar (database versions not stated): gnomAD exomes below 0.00001; gnomAD 0.00001; TOPMed 0.00002.
gnomAD v4.1: 8 of 1,614,016 alleles (0.0005%); highest among the groups gnomAD compares: African/African-American, 0.0013%; no homozygotes.

Submission:

Labcorp Genetics (formerly Invitae), Labcorp
Classification: Uncertain significance for Myopathy, proximal, and ophthalmoplegia. Last evaluated: 2025-08-18. Review status: criteria provided, single submitter. Criteria: Invitae Variant Classification Sherloc (09022015). Collection method: clinical testing. Allele origin: germline.
Comment: This sequence change replaces glutamic acid, which is acidic and polar, with lysine, which is basic and polar, at codon 868 of the MYH2 protein (p.Glu868Lys). This variant is not present in population databases (gnomAD no frequency). This variant has not been reported in the literature in individuals affected with MYH2-related conditions. ClinVar contains an entry for this variant (Variation ID: 1392624). Invitae Evidence Modeling of protein sequence and biophysical properties (such as structural, functional, and spatial information, amino acid conservation, physicochemical variation, residue mobility, and thermodynamic stability) indicates that this missense variant is not expected to disrupt MYH2 protein function with a negative predictive value of 80%. In summary, the available evidence is currently insufficient to determine the role of this variant in disease. Therefore, it has been classified as a Variant of Uncertain Significance.

NM_017534.6(MYH2):c.2602G>A (p.Glu868Lys)

Genes: MYH2 (myosin heavy chain 2; minus strand), MYHAS (myosin heavy chain gene cluster antisense RNA; plus strand). Cytogenetic location: 17p13.1.
Variant type: single nucleotide variant.
Coding change: c.2602G>A on transcript NM_017534.6 (MANE Select); coding-DNA position 2602, G replaced by A.
Protein change: p.Glu868Lys; replaces glutamic acid 868 with lysine.
Molecular consequence: missense variant.
Genome position (GRCh38, 1-based): chr17:10,531,728, C>T on the plus strand (G>A on the coding strand, the complement: MYH2 is on the minus strand). VCF-style: chr17-10531728-C-T. GRCh37 (hg19) VCF-style: chr17-10435045-C-T.
Other names: c.2602G>A, p.Glu868Lys (NM_001100112.2); short protein forms E868K.
Identifiers: ClinVar variation 1392624 (VCV001392624.8), dbSNP rs267604724, ClinGen allele CA8391102.